The following is an entry in ClinVar:

NM_001276345.2(TNNT2):c.234G>A (p.Arg78=)

Gene: TNNT2 (troponin T2, cardiac type; minus strand). Cytogenetic location: 1q32.1.
Variant type: single nucleotide variant.
Coding change: c.234G>A on transcript NM_001276345.2 (MANE Select); coding-DNA position 234, G replaced by A.
Protein change: p.Arg78=; no amino-acid change (arginine 78 retained).
Molecular consequence: synonymous variant.
Genome position (GRCh38, 1-based): chr1:201,365,670, C>T on the plus strand (G>A on the coding strand, the complement: TNNT2 is on the minus strand). VCF-style: chr1-201365670-C-T. GRCh37 (hg19) VCF-style: chr1-201334798-C-T.
Other names: c.234G>A, p.Arg78= (NM_000364.4, NM_001406723.1); c.204G>A, p.Arg68= (NM_001001430.3, NM_001001431.3, NM_001276347.2 and 3 more transcripts); c.189G>A, p.Arg63= (NM_001001432.3, NM_001406728.1); c.231G>A, p.Arg77= (NM_001276346.2); c.201G>A, p.Arg67= (NM_001406725.1).
Identifiers: ClinVar variation 2413929 (VCV002413929.7), dbSNP rs2527027718, ClinGen allele CA422532807.

ClinVar aggregate classification (germline): Uncertain significance (1 of 4 stars; one submission).

Conditions:
Cardiomyopathy, familial restrictive, 3. Identifiers: Orphanet 75249, MedGen C2676271, MONDO:0012900, OMIM 612422.
Hypertrophic cardiomyopathy 2. Also called: TNNT2-Related Familial Hypertrophic Cardiomyopathy. Identifiers: MedGen C1861864, MONDO:0007266, OMIM 115195.
Dilated cardiomyopathy 1D. Identifiers: Orphanet 154, Orphanet 54260, MedGen C1832243, MONDO:0011095, OMIM 601494.

Submission:

Labcorp Genetics (formerly Invitae), Labcorp
Classification: Uncertain significance for Cardiomyopathy, familial restrictive, 3; Hypertrophic cardiomyopathy 2; Dilated cardiomyopathy 1D. Last evaluated: 2023-05-15. Review status: criteria provided, single submitter. Criteria: Invitae Variant Classification Sherloc (09022015). Collection method: clinical testing. Allele origin: germline.
Comment: In summary, the available evidence is currently insufficient to determine the role of this variant in disease. Therefore, it has been classified as a Variant of Uncertain Significance. Algorithms developed to predict the effect of sequence changes on RNA splicing suggest that this variant is not likely to affect RNA splicing. ClinVar contains an entry for this variant (Variation ID: 2413929). This variant has not been reported in the literature in individuals affected with TNNT2-related conditions. This variant is not present in population databases (gnomAD no frequency). This sequence change affects codon 68 of the TNNT2 mRNA. It is a 'silent' change, meaning that it does not change the encoded amino acid sequence of the TNNT2 protein. It affects a nucleotide within the consensus splice site.